The following is an entry in ClinVar:

ClinVar aggregate classification (germline): Uncertain significance. Review status: criteria provided, multiple submitters, no conflicts (2 of 4 stars). 2 submissions from 2 submitters: Uncertain significance (2). Last evaluated 2023-09-01.

Conditions:
Cardiovascular phenotype. Identifiers: MedGen CN230736.
Lymphatic malformation 7 (LMPHM7). Also called: Hydrops fetalis, nonimmune, and/or atrial septal defect, susceptibility to. Identifiers: MedGen C4310629, MONDO:0015009, OMIM 617300.

Allele frequency attached by ClinVar (database versions not stated): gnomAD exomes below 0.00001; gnomAD 0.00001.
gnomAD v4.1: 4 of 1,562,498 alleles (0.00026%); highest among the groups gnomAD compares: Non-Finnish European, 0.00026%; no homozygotes.

Submissions (2):

Clinical Genomics Laboratory, Washington University in St. Louis
Classification: Uncertain significance for Lymphatic malformation 7. Last evaluated: 2023-09-01. Review status: criteria provided, single submitter. Criteria: ACMG Guidelines, 2015. Collection method: clinical testing. Allele origin: germline.
Comment: The EPHB4 c.2576A>G (p.Lys859Arg) variant was identified at a near heterozygous allelic fraction. This variant, to our knowledge, has not been reported in the medical literature. This variant has been reported in the ClinVar database as a variant of uncertain significance by one submitter (ClinVar ID: 2494726). This variant is only observed on 1/152222 alleles in the general population (gnomAD v.3.1.2), indicating it is not a common variant. Computational predictors suggest that the variant does not impact EPHB4 function. Due to limited information and based on ACMG/AMP guidelines for variant interpretation (Richards S et al., PMID: 25741868), the clinical significance of this variant is uncertain at this time.

Ambry Genetics
Classification: Uncertain significance for Cardiovascular phenotype. Last evaluated: 2023-03-06. Review status: criteria provided, single submitter. Criteria: Ambry Variant Classification Scheme 2023. Collection method: clinical testing. Allele origin: germline.

NM_004444.5(EPHB4):c.2576A>G (p.Lys859Arg)

Genes: EPHB4 (EPH receptor B4; minus strand), LOC126860124 (CDK7 strongly-dependent group 2 enhancer GRCh37_chr7:100403701-100404900; plus strand). Cytogenetic location: 7q22.1.
Variant type: single nucleotide variant.
Coding change: c.2576A>G on transcript NM_004444.5 (MANE Select); coding-DNA position 2576, A replaced by G.
Protein change: p.Lys859Arg; replaces lysine 859 with arginine.
Molecular consequence: missense variant.
Genome position (GRCh38, 1-based): chr7:100,805,603, T>C on the plus strand (A>G on the coding strand, the complement: EPHB4 is on the minus strand). VCF-style: chr7-100805603-T-C. GRCh37 (hg19) VCF-style: chr7-100403225-T-C.
Other names: short protein forms K859R.
Identifiers: ClinVar variation 2494726 (VCV002494726.3), dbSNP rs1584652989, ClinGen allele CA368566973.